The following is an entry in ClinVar:

NM_016507.4(CDK12):c.3617T>C (p.Met1206Thr)

Gene: CDK12 (cyclin dependent kinase 12; plus strand). Cytogenetic location: 17q12.
Variant type: single nucleotide variant.
Coding change: c.3617T>C on transcript NM_016507.4 (MANE Select); coding-DNA position 3617, T replaced by C.
Protein change: p.Met1206Thr; replaces methionine 1206 with threonine.
Molecular consequence: missense variant.
Genome position (GRCh38, 1-based): chr17:39,526,173, T>C. VCF-style: chr17-39526173-T-C. GRCh37 (hg19) VCF-style: chr17-37682426-T-C.
Other names: c.3617T>C, p.Met1206Thr (NM_015083.4); short protein forms M1206T.
Identifiers: ClinVar variation 4224209 (VCV004224209.1).

ClinVar aggregate classification (germline): Uncertain significance (1 of 4 stars; one submission).

Submission:

Ambry Genetics
Classification: Uncertain significance. Last evaluated: 2025-06-21. Review status: criteria provided, single submitter. Criteria: Ambry Variant Classification Scheme 2023. Collection method: clinical testing. Allele origin: germline.
Comment: The p.M1206T variant (also known as c.3617T>C), located in coding exon 13 of the CDK12 gene, results from a T to C substitution at nucleotide position 3617. The methionine at codon 1206 is replaced by threonine, an amino acid with similar properties. This amino acid position is conserved. In addition, this alteration is predicted to be tolerated by in silico analysis. Based on the available evidence, the clinical significance of this variant remains unclear.